The following is an entry in ClinVar:

ClinVar aggregate classification (germline): Pathogenic (1 of 4 stars; one submission).

Conditions:
Hereditary cancer-predisposing syndrome. Also called: Neoplastic Syndromes, Hereditary; Tumor predisposition; Hereditary neoplastic syndrome; Hereditary Cancer Syndrome. Identifiers: Orphanet 140162, MedGen C0027672, MeSH D009386, MONDO:0015356.

Submission:

Ambry Genetics
Classification: Pathogenic for Hereditary cancer-predisposing syndrome. Last evaluated: 2026-07-30. Review status: criteria provided, single submitter. Criteria: Ambry Variant Classification Scheme 2023. Collection method: clinical testing. Allele origin: germline.
Comment: The c.1040delC pathogenic mutation, located in coding exon 9 of the POT1 gene, results from a deletion of one nucleotide at nucleotide position 1040, causing a translational frameshift with a predicted alternate stop codon (p.P347Hfs*6). This variant is considered to be rare based on population cohorts in the Genome Aggregation Database (gnomAD). This variant is expected to result in loss of function by premature protein truncation or nonsense-mediated mRNA decay. As such, this variant is interpreted as a disease-causing mutation.

NM_015450.3(POT1):c.1040del (p.Pro347fs)

Gene: POT1 (protection of telomeres 1; minus strand). Cytogenetic location: 7q31.33.
Variant type: Deletion.
Coding change: c.1040del on transcript NM_015450.3 (MANE Select); coding-DNA position 1040, one base deleted (C; older notation c.1040delC).
Protein change: p.Pro347fs; shifts the reading frame from proline 347.
Molecular consequence: frameshift variant. On other transcripts: non-coding transcript variant (3).
Genome position (GRCh38, 1-based): chr7:124,842,930, G deleted on the plus strand (C on the coding strand, the reverse complement: POT1 is on the minus strand); the first of 2 consecutive G bases (chr7:124,842,930-124,842,931); deleting either gives the same sequence. VCF-style (leftmost placement, unchanged base first): chr7-124842929-TG-T. GRCh37 (hg19) VCF-style: chr7-124482983-TG-T.
Other names: c.647del, p.Pro216fs (NM_001042594.2); short protein forms P216fs, P347fs.
Identifiers: ClinVar variation 5027183 (VCV005027183.1).